The following is an entry in ClinVar:

ClinVar aggregate classification (germline): Uncertain significance. Review status: criteria provided, multiple submitters, no conflicts (2 of 4 stars). 2 submissions from 2 submitters: Uncertain significance (2). Last evaluated 2026-01-16.

gnomAD v4.1: 54 of 1,613,866 alleles (0.0033%); highest among the groups gnomAD compares: African/African-American, 0.0053%; no homozygotes.

Submissions (2):

Labcorp Genetics (formerly Invitae), Labcorp
Classification: Uncertain significance. Last evaluated: 2026-01-16. Review status: criteria provided, single submitter. Criteria: Invitae Variant Classification Sherloc (09022015). Collection method: clinical testing. Allele origin: germline.
Comment: This sequence change replaces methionine, which is neutral and non-polar, with arginine, which is basic and polar, at codon 422 of the MMP9 protein (p.Met422Arg). This variant is present in population databases (rs201131366, gnomAD 0.004%). This variant has not been reported in the literature in individuals affected with MMP9-related conditions. ClinVar contains an entry for this variant (Variation ID: 4109190). Invitae Evidence Modeling of protein sequence and biophysical properties (such as structural, functional, and spatial information, amino acid conservation, physicochemical variation, residue mobility, and thermodynamic stability) indicates that this missense variant is not expected to disrupt MMP9 protein function with a negative predictive value of 80%. In summary, the available evidence is currently insufficient to determine the role of this variant in disease. Therefore, it has been classified as a Variant of Uncertain Significance.

Ambry Genetics
Classification: Uncertain significance. Last evaluated: 2025-08-30. Review status: criteria provided, single submitter. Criteria: Ambry Variant Classification Scheme 2023. Collection method: clinical testing. Allele origin: germline.

NM_004994.3(MMP9):c.1265T>G (p.Met422Arg)

Gene: MMP9 (matrix metallopeptidase 9; plus strand). Cytogenetic location: 20q13.12.
Variant type: single nucleotide variant.
Coding change: c.1265T>G on transcript NM_004994.3 (MANE Select); coding-DNA position 1265, T replaced by G.
Protein change: p.Met422Arg; replaces methionine 422 with arginine.
Molecular consequence: missense variant.
Genome position (GRCh38, 1-based): chr20:46,012,517, T>G. VCF-style: chr20-46012517-T-G. GRCh37 (hg19) VCF-style: chr20-44641156-T-G.
Other names: short protein forms M422R.
Identifiers: ClinVar variation 4109190 (VCV004109190.2).
Genomic context (GRCh38, chr20:46,012,517, plus strand): 5'-AGTTCGGCCACGCGCTGGGCTTAGATCATTCCTCAGTGCCGGAGGCGCTCATGTACCCTA[T>G]GTACCGCTTCACTGAGGGGCCCCCCTTGCATAAGGACGACGTGAATGGCATCCGGCACCT-3'
Protein context (NP_004985.2, residues 412-432): SSVPEALMYP[Met422Arg]YRFTEGPPLH